The following is an entry in ClinVar:

ClinVar aggregate classification (germline): Uncertain significance (1 of 4 stars; one submission).

Conditions:
Cataract 10 multiple types. Also called: CATARACT 10, CONGENITAL ZONULAR, WITH SUTURAL OPACITIES. Identifiers: Orphanet 91492, MedGen C1833229, MONDO:0010948, OMIM 600881.

Submission:

Baylor Genetics
Classification: Uncertain significance for Cataract 10 multiple types. Last evaluated: 2018-05-10. Review status: criteria provided, single submitter. Criteria: ACMG Guidelines, 2015. Collection method: clinical testing. Allele origin: unknown. Affected: yes.
Comment: This variant was determined to be of uncertain significance according to ACMG Guidelines, 2015 [PMID:25741868].

NM_005208.5(CRYBA1):c.367G>A (p.Glu123Lys)

Gene: CRYBA1 (crystallin beta A1; plus strand). Cytogenetic location: 17q11.2.
Variant type: single nucleotide variant.
Coding change: c.367G>A on transcript NM_005208.5 (MANE Select); coding-DNA position 367, G replaced by A.
Protein change: p.Glu123Lys; replaces glutamic acid 123 with lysine.
Molecular consequence: missense variant.
Genome position (GRCh38, 1-based): chr17:29,253,649, G>A. VCF-style: chr17-29253649-G-A. GRCh37 (hg19) VCF-style: chr17-27580667-G-A.
Other names: short protein forms E123K.
Identifiers: ClinVar variation 1031516 (VCV001031516.1), dbSNP rs2068949378, ClinGen allele CA398476906.